The following is an entry in ClinVar:

NM_000528.4(MAN2B1):c.2267+3G>C

Gene: MAN2B1 (mannosidase alpha class 2B member 1; minus strand). Cytogenetic location: 19p13.13.
Variant type: single nucleotide variant.
Coding change: c.2267+3G>C on transcript NM_000528.4 (MANE Select); 3 bases into the intron after coding-DNA position 2267, G replaced by C.
Molecular consequence: intron variant.
Genome position (GRCh38, 1-based): chr19:12,649,910, C>G on the plus strand (G>C on the coding strand, the complement: MAN2B1 is on the minus strand). VCF-style: chr19-12649910-C-G. GRCh37 (hg19) VCF-style: chr19-12760724-C-G.
Other names: c.2264+3G>C (NM_001173498.2).
Identifiers: ClinVar variation 328261 (VCV000328261.24), dbSNP rs28639634, ClinGen allele CA9226143.

ClinVar aggregate classification (germline): Benign. Review status: criteria provided, multiple submitters, no conflicts (2 of 4 stars). 7 submissions from 7 submitters: Benign (5). 2 of the submissions do not count toward it. Last evaluated 2026-02-01.

Conditions:
Deficiency of alpha-mannosidase (MANSA). Also called: LYSOSOMAL ALPHA-D-MANNOSIDASE DEFICIENCY; Alpha-Mannosidosis; Mannosidosis, alpha-, types I and II. Identifiers: Orphanet 61, MedGen C0024748, MONDO:0009561, OMIM 248500.

Allele frequency attached by ClinVar (database versions not stated): gnomAD 0.02031; ESP Exome Variant Server 0.02284; 1000 Genomes Project 0.02536; TOPMed 0.02548; 1000 Genomes Project 30x 0.02561.
gnomAD v4.1: 6,460 of 1,612,434 alleles (0.4%); highest among the groups gnomAD compares: African/African-American, 7.5%; 231 homozygotes.

Submissions (30):

Labcorp Genetics (formerly Invitae), Labcorp
Classification: Benign for Deficiency of alpha-mannosidase. Last evaluated: 2026-02-01. Review status: criteria provided, single submitter. Criteria: Invitae Variant Classification Sherloc (09022015). Collection method: clinical testing. Allele origin: germline.

Fulgent Genetics
Classification: Benign for Deficiency of alpha-mannosidase. Last evaluated: 2022-01-03. Review status: criteria provided, single submitter. Criteria: ACMG Guidelines, 2015. Collection method: clinical testing. Allele origin: unknown.

GeneDx
Classification: Benign. Last evaluated: 2018-06-13. Review status: criteria provided, single submitter. Criteria: GeneDx Variant Classification (06012015). Collection method: clinical testing. Allele origin: germline. Affected: yes.
Comment: This variant is considered likely benign or benign based on one or more of the following criteria: it is a conservative change, it occurs at a poorly conserved position in the protein, it is predicted to be benign by multiple in silico algorithms, and/or has population frequency not consistent with disease.

Illumina Laboratory Services, Illumina
Classification: Benign for Deficiency of alpha-mannosidase. Last evaluated: 2018-01-13. Review status: criteria provided, single submitter. Criteria: ICSL Variant Classification Criteria 13 December 2019. Collection method: clinical testing. Allele origin: germline.
Comment: This variant was observed in the ICSL laboratory as part of a predisposition screen in an ostensibly healthy population. It had not been previously curated by ICSL or reported in the Human Gene Mutation Database (HGMD: prior to June 1st, 2018), and was therefore a candidate for classification through an automated scoring system. Utilizing variant allele frequency, disease prevalence and penetrance estimates, and inheritance mode, an automated score was calculated to assess if this variant is too frequent to cause the disease. Based on the score and internal cut-off values, a variant classified as benign is not then subjected to further curation. The score for this variant resulted in a classification of benign for this disease.

Breakthrough Genomics
Classification: Benign. Review status: criteria provided, single submitter. Criteria: ACMG Guidelines, 2015. Collection method: not provided. Allele origin: germline. Inheritance: Autosomal recessive inheritance. Affected: yes.

Natera, Inc.
Classification: Benign for Alpha-mannosidosis. Last evaluated: 2020-09-16. Review status: no assertion criteria provided. Collection method: clinical testing. Allele origin: germline. Not counted in ClinVar's aggregate classification.

Mayo Clinic Laboratories, Mayo Clinic
Classification: Benign. Last evaluated: 2017-09-21. Review status: no assertion criteria provided. Collection method: clinical testing. Allele origin: unknown. Not counted in ClinVar's aggregate classification.

Dr. Peter K. Rogan Lab, Western University
No classification provided (evidence only). Condition: Lung cancer. Review status: no classification provided. Collection method: in vitro. Allele origin: not applicable. Functional consequence: retained intron. Not counted in ClinVar's aggregate classification.

Dr. Peter K. Rogan Lab, Western University
No classification provided (evidence only). Condition: Lung cancer. Review status: no classification provided. Collection method: in vitro. Allele origin: not applicable. Functional consequence: retained intron. Not counted in ClinVar's aggregate classification.

Dr. Peter K. Rogan Lab, Western University
No classification provided (evidence only). Condition: Familial cancer of breast. Review status: no classification provided. Collection method: in vitro. Allele origin: not applicable. Functional consequence: retained intron. Not counted in ClinVar's aggregate classification.

Dr. Peter K. Rogan Lab, Western University
No classification provided (evidence only). Condition: Familial cancer of breast. Review status: no classification provided. Collection method: in vitro. Allele origin: not applicable. Functional consequence: retained intron. Not counted in ClinVar's aggregate classification.

Dr. Peter K. Rogan Lab, Western University
No classification provided (evidence only). Condition: Familial cancer of breast. Review status: no classification provided. Collection method: in vitro. Allele origin: not applicable. Functional consequence: skipped exon. Not counted in ClinVar's aggregate classification.

Dr. Peter K. Rogan Lab, Western University
No classification provided (evidence only). Condition: Familial cancer of breast. Review status: no classification provided. Collection method: in vitro. Allele origin: not applicable. Functional consequence: retained intron. Not counted in ClinVar's aggregate classification.

Dr. Peter K. Rogan Lab, Western University
No classification provided (evidence only). Condition: Familial cancer of breast. Review status: no classification provided. Collection method: in vitro. Allele origin: not applicable. Functional consequence: retained intron. Not counted in ClinVar's aggregate classification.

Dr. Peter K. Rogan Lab, Western University
No classification provided (evidence only). Condition: Familial cancer of breast. Review status: no classification provided. Collection method: in vitro. Allele origin: not applicable. Functional consequence: retained intron. Not counted in ClinVar's aggregate classification.

Dr. Peter K. Rogan Lab, Western University
No classification provided (evidence only). Condition: Acute myeloid leukemia. Review status: no classification provided. Collection method: in vitro. Allele origin: not applicable. Functional consequence: retained intron. Not counted in ClinVar's aggregate classification.

Dr. Peter K. Rogan Lab, Western University
No classification provided (evidence only). Condition: Acute myeloid leukemia. Review status: no classification provided. Collection method: in vitro. Allele origin: not applicable. Functional consequence: retained intron. Not counted in ClinVar's aggregate classification.

Dr. Peter K. Rogan Lab, Western University
No classification provided (evidence only). Condition: Uterine corpus endometrial carcinoma. Review status: no classification provided. Collection method: in vitro. Allele origin: not applicable. Functional consequence: retained intron. Not counted in ClinVar's aggregate classification.

Dr. Peter K. Rogan Lab, Western University
No classification provided (evidence only). Condition: Uterine corpus endometrial carcinoma. Review status: no classification provided. Collection method: in vitro. Allele origin: not applicable. Functional consequence: retained intron. Not counted in ClinVar's aggregate classification.

Dr. Peter K. Rogan Lab, Western University
No classification provided (evidence only). Condition: Uterine corpus endometrial carcinoma. Review status: no classification provided. Collection method: in vitro. Allele origin: not applicable. Functional consequence: retained intron. Not counted in ClinVar's aggregate classification.

Dr. Peter K. Rogan Lab, Western University
No classification provided (evidence only). Condition: Uterine corpus endometrial carcinoma. Review status: no classification provided. Collection method: in vitro. Allele origin: not applicable. Functional consequence: retained intron. Not counted in ClinVar's aggregate classification.

Dr. Peter K. Rogan Lab, Western University
No classification provided (evidence only). Condition: Uterine corpus endometrial carcinoma. Review status: no classification provided. Collection method: in vitro. Allele origin: not applicable. Functional consequence: retained intron. Not counted in ClinVar's aggregate classification.

Dr. Peter K. Rogan Lab, Western University
No classification provided (evidence only). Condition: Cervical cancer. Review status: no classification provided. Collection method: in vitro. Allele origin: not applicable. Functional consequence: retained intron. Not counted in ClinVar's aggregate classification.

Dr. Peter K. Rogan Lab, Western University
No classification provided (evidence only). Condition: Cervical cancer. Review status: no classification provided. Collection method: in vitro. Allele origin: not applicable. Functional consequence: skipped exon. Not counted in ClinVar's aggregate classification.

Dr. Peter K. Rogan Lab, Western University
No classification provided (evidence only). Condition: Sarcoma. Review status: no classification provided. Collection method: in vitro. Allele origin: not applicable. Functional consequence: retained intron. Not counted in ClinVar's aggregate classification.

Dr. Peter K. Rogan Lab, Western University
No classification provided (evidence only). Condition: Thymoma. Review status: no classification provided. Collection method: in vitro. Allele origin: not applicable. Functional consequence: retained intron. Not counted in ClinVar's aggregate classification.

Dr. Peter K. Rogan Lab, Western University
No classification provided (evidence only). Condition: Ovarian serous cystadenocarcinoma. Review status: no classification provided. Collection method: in vitro. Allele origin: not applicable. Functional consequence: retained intron. Not counted in ClinVar's aggregate classification.

Dr. Peter K. Rogan Lab, Western University
No classification provided (evidence only). Condition: Gastric cancer. Review status: no classification provided. Collection method: in vitro. Allele origin: not applicable. Functional consequence: retained intron. Not counted in ClinVar's aggregate classification.

Dr. Peter K. Rogan Lab, Western University
No classification provided (evidence only). Condition: Gastric cancer. Review status: no classification provided. Collection method: in vitro. Allele origin: not applicable. Functional consequence: retained intron. Not counted in ClinVar's aggregate classification.

Dr. Peter K. Rogan Lab, Western University
No classification provided (evidence only). Condition: Malignant tumor of esophagus. Review status: no classification provided. Collection method: in vitro. Allele origin: not applicable. Functional consequence: retained intron. Not counted in ClinVar's aggregate classification.